The following is an entry in ClinVar:

NM_015447.4(CAMSAP1):c.4479C>T (p.Asn1493=)

Gene: CAMSAP1 (calmodulin regulated spectrin associated protein 1; minus strand). Cytogenetic location: 9q34.3.
Variant type: single nucleotide variant.
Coding change: c.4479C>T on transcript NM_015447.4 (MANE Select); coding-DNA position 4479, C replaced by T.
Protein change: p.Asn1493=; no amino-acid change (asparagine 1493 retained).
Molecular consequence: synonymous variant.
Genome position (GRCh38, 1-based): chr9:135,815,124, G>A on the plus strand (C>T on the coding strand, the complement: CAMSAP1 is on the minus strand). VCF-style: chr9-135815124-G-A. GRCh37 (hg19) VCF-style: chr9-138706970-G-A.
Other names: c.3645C>T, p.Asn1215= (NM_001411031.1); c.4512C>T, p.Asn1504= (NM_001437279.1); c.4047C>T, p.Asn1349= (NM_001437280.1); c.3882C>T, p.Asn1294= (NM_001437281.1).
Identifiers: ClinVar variation 5039871 (VCV005039871.1).

ClinVar aggregate classification (germline): Likely benign (1 of 4 stars; one submission).

gnomAD v4.1: 12 of 1,613,292 alleles (0.00074%); highest among the groups gnomAD compares: East Asian, 0.0022%; no homozygotes.

Submission:

CeGaT Center for Human Genetics Tuebingen
Classification: Likely benign. Last evaluated: 2026-07-01. Review status: criteria provided, single submitter. Criteria: CeGaT Center For Human Genetics Tuebingen Variant Classification Criteria Version 2. Collection method: clinical testing. Allele origin: germline. Affected: yes. Observed: 1 variant allele.
Comment: CAMSAP1: BP4, BP7